The following is an entry in ClinVar:

ClinVar aggregate classification (germline): Likely benign (1 of 4 stars; one submission).

Allele frequency attached by ClinVar (database versions not stated): TOPMed below 0.00001; gnomAD exomes 0.00001; gnomAD 0.00002.
gnomAD v4.1: 12 of 1,614,092 alleles (0.00074%); highest among the groups gnomAD compares: Admixed American, 0.005%; no homozygotes.

Submission:

CeGaT Center for Human Genetics Tuebingen
Classification: Likely benign. Last evaluated: 2022-08-01. Review status: criteria provided, single submitter. Criteria: CeGaT Center For Human Genetics Tuebingen Variant Classification Criteria Version 2. Collection method: clinical testing. Allele origin: germline. Affected: yes. Observed: 1 variant allele.
Comment: LAMC1: BP4, BP7

NM_002293.4(LAMC1):c.2292A>G (p.Ala764=)

Gene: LAMC1 (laminin subunit gamma 1; plus strand). Cytogenetic location: 1q25.3.
Variant type: single nucleotide variant.
Coding change: c.2292A>G on transcript NM_002293.4 (MANE Select); coding-DNA position 2292, A replaced by G.
Protein change: p.Ala764=; no amino-acid change (alanine 764 retained).
Molecular consequence: synonymous variant.
Genome position (GRCh38, 1-based): chr1:183,122,142, A>G. VCF-style: chr1-183122142-A-G. GRCh37 (hg19) VCF-style: chr1-183091277-A-G.
Identifiers: ClinVar variation 2639623 (VCV002639623.24), dbSNP rs1020621795, ClinGen allele CA33923348.
Genomic context (GRCh38, chr1:183,122,142, plus strand): 5'-CAATACGGCTGGCCCGCACTGTGAGAAGTGCAGTGATGGGTACTATGGAGATTCAACTGC[A>G]GGCACCTCCTCCGATTGCCAACCCTGTCCGTGTCCTGGAGGTTCAAGTTGTGCTGTTGTT-3'
Protein context (NP_002284.3, residues 754-774): CSDGYYGDST[Ala764=]GTSSDCQPCP